The following is an entry in ClinVar:

ClinVar aggregate classification (germline): Uncertain significance. Review status: criteria provided, multiple submitters, no conflicts (2 of 4 stars). 2 submissions from 2 submitters: Uncertain significance (2). Last evaluated 2023-03-20.

Submissions (2):

GeneDx
Classification: Uncertain significance. Last evaluated: 2023-03-20. Review status: criteria provided, single submitter. Criteria: GeneDx Variant Classification Process June 2021. Collection method: clinical testing. Allele origin: germline. Affected: yes.
Comment: Not observed at significant frequency in large population cohorts (gnomAD); Frameshift variant predicted to result in protein truncation as the last 97 amino acids are replaced with 10 different amino acids, although loss-of-function variants have not been reported downstream of this position in the protein; Has not been previously published as pathogenic or benign to our knowledge

Labcorp Genetics (formerly Invitae), Labcorp
Classification: Uncertain significance. Last evaluated: 2021-10-09. Review status: criteria provided, single submitter. Criteria: Invitae Variant Classification Sherloc (09022015). Collection method: clinical testing. Allele origin: germline.
Comment: This sequence change creates a premature translational stop signal (p.Asn799Thrfs*11) in the RIN2 gene. While this is not anticipated to result in nonsense mediated decay, it is expected to disrupt the last 97 amino acid(s) of the RIN2 protein. This variant is not present in population databases (ExAC no frequency). This variant has not been reported in the literature in individuals affected with RIN2-related conditions. Experimental studies and prediction algorithms are not available or were not evaluated, and the functional significance of this variant is currently unknown. In summary, the available evidence is currently insufficient to determine the role of this variant in disease. Therefore, it has been classified as a Variant of Uncertain Significance.

NM_018993.4(RIN2):c.2396del (p.Asn799fs)

Gene: RIN2 (Ras and Rab interactor 2; plus strand). Cytogenetic location: 20p11.23.
Variant type: Deletion.
Coding change: c.2396del on transcript NM_018993.4 (MANE Select); coding-DNA position 2396, one base deleted (A; older notation c.2396delA).
Protein change: p.Asn799fs; shifts the reading frame from asparagine 799.
Molecular consequence: frameshift variant.
Genome position (GRCh38, 1-based): chr20:20,000,644, A deleted; the last of 2 consecutive A bases (chr20:20,000,643-20,000,644); deleting either gives the same sequence. VCF-style (leftmost placement, unchanged base first): chr20-20000642-CA-C. GRCh37 (hg19) VCF-style: chr20-19981286-CA-C.
Other names: c.2543del, p.Asn848fs (NM_001242581.2); c.1778del, p.Asn593fs (NM_001378238.1); c.2396del (NM_018993.3); short protein forms N799fs, N848fs, N593fs.
Identifiers: ClinVar variation 1520660 (VCV001520660.3), dbSNP rs2146439245, ClinGen allele CA2573156930.